The following is an entry in ClinVar:

ClinVar aggregate classification (germline): Likely pathogenic (1 of 4 stars; one submission).

Conditions:
Dilated cardiomyopathy 1G (CMD1G). Identifiers: Orphanet 154, MedGen C1858763, MONDO:0011400, OMIM 604145.
Autosomal recessive limb-girdle muscular dystrophy type 2J (LGMDR10). Also called: Limb-girdle muscular dystrophy, type 2J; MUSCULAR DYSTROPHY, LIMB-GIRDLE, AUTOSOMAL RECESSIVE 10. Identifiers: Orphanet 140922, MedGen C1837342, MONDO:0012127, OMIM 608807.

Submission:

Labcorp Genetics (formerly Invitae), Labcorp
Classification: Likely pathogenic for Dilated cardiomyopathy 1G; Autosomal recessive limb-girdle muscular dystrophy type 2J. Last evaluated: 2021-10-04. Review status: criteria provided, single submitter. Criteria: Invitae Variant Classification Sherloc (09022015). Collection method: clinical testing. Allele origin: germline.
Comment: In summary, the currently available evidence indicates that the variant is pathogenic, but additional data are needed to prove that conclusively. Therefore, this variant has been classified as Likely Pathogenic. This variant is located in the A band of TTN (PMID: 25589632). Truncating variants in this region are significantly overrepresented in patients affected with dilated cardiomyopathy (PMID: 25589632). Truncating variants in this region have also been reported in individuals affected with autosomal recessive centronuclear myopathy (PMID: 23975875). This variant has not been reported in the literature in individuals affected with TTN-related conditions. This variant is not present in population databases (ExAC no frequency). This sequence change creates a premature translational stop signal (p.Lys22886Glufs*10) in the TTN gene. While this is not anticipated to result in nonsense mediated decay, it is expected to create a truncated TTN protein.

Literature cited by the submitters: PubMed 25589632; PubMed 23975875.

NM_001267550.2(TTN):c.68654dup (p.Lys22886fs)

Genes: TTN (titin; minus strand), TTN-AS1 (TTN antisense RNA 1; plus strand). Cytogenetic location: 2q31.2.
Variant type: Duplication.
Coding change: c.68654dup on transcript NM_001267550.2 (MANE Select); coding-DNA position 68654, one base duplicated (C; older notation c.68654dupC).
Protein change: p.Lys22886fs; shifts the reading frame from lysine 22886.
Molecular consequence: frameshift variant.
Genome position (GRCh38, 1-based): chr2:178,577,772, G duplicated on the plus strand (C on the coding strand, the reverse complement: TTN is on the minus strand). VCF-style (leftmost placement, unchanged base first): chr2-178577771-C-CG. GRCh37 (hg19) VCF-style: chr2-179442498-C-CG.
Other names: c.63731dup, p.Lys21245fs (NM_001256850.1); c.41459dup, p.Lys13821fs (NM_003319.4); c.60950dup, p.Lys20318fs (NM_133378.4); c.41834dup, p.Lys13946fs (NM_133432.3); c.42035dup, p.Lys14013fs (NM_133437.4); short protein forms K20318fs, K13821fs, K22886fs, K13946fs, K14013fs, K21245fs.
Identifiers: ClinVar variation 1518962 (VCV001518962.6), dbSNP rs2154174012, ClinGen allele CA2573134175.
Genomic context (GRCh38, chr2:178,577,771, plus strand): 5'-GTCAGTTACAGTAAAGGCACATTCTGGGACATTAACATGGTTGGCTTTCATCCAAGACTT[C>CG]GAAGGTAGATCTCGCTTCTCCACTATATATCCAGTTAACTTATGACCACCGTCATATTTA-3'